The following is an entry in ClinVar:

NM_001267550.2(TTN):c.7975C>G (p.Leu2659Val)

Gene: TTN (titin; minus strand). Cytogenetic location: 2q31.2.
Variant type: single nucleotide variant.
Coding change: c.7975C>G on transcript NM_001267550.2 (MANE Select); coding-DNA position 7975, C replaced by G.
Protein change: p.Leu2659Val; replaces leucine 2659 with valine.
Molecular consequence: missense variant.
Genome position (GRCh38, 1-based): chr2:178,771,352, G>C on the plus strand (C>G on the coding strand, the complement: TTN is on the minus strand). VCF-style: chr2-178771352-G-C. GRCh37 (hg19) VCF-style: chr2-179636079-G-C.
Other names: c.7975C>G, p.Leu2659Val (NM_001256850.1, NM_133378.4, NM_133379.5); c.7837C>G, p.Leu2613Val (NM_003319.4, NM_133432.3, NM_133437.4); short protein forms L2613V, L2659V.
Identifiers: ClinVar variation 997936 (VCV000997936.5), dbSNP rs747894424, ClinGen allele CA2004705.

ClinVar aggregate classification (germline): Conflicting classifications of pathogenicity. Review status: criteria provided, conflicting classifications (1 of 4 stars). 3 submissions from 3 submitters: Uncertain significance (1); Likely benign (2). Last evaluated 2021-02-02.

Conditions:
Cardiovascular phenotype. Identifiers: MedGen CN230736.

Allele frequency attached by ClinVar (database versions not stated): gnomAD 0.00001; ExAC 0.00003; gnomAD exomes 0.00003.
gnomAD v4.1: 35 of 1,614,030 alleles (0.0022%); highest among the groups gnomAD compares: South Asian, 0.035%; no homozygotes.

Submissions (3):

Women's Health and Genetics/Laboratory Corporation of America, LabCorp
Classification: Uncertain significance. Last evaluated: 2021-02-02. Review status: criteria provided, single submitter. Criteria: LabCorp Variant Classification Summary - May 2015. Collection method: clinical testing. Allele origin: germline.
Comment: Variant summary: TTN c.7975C>G (p.Leu2659Val) results in a conservative amino acid change located in the I-band region of the encoded protein sequence. Five of five in-silico tools predict a benign effect of the variant on protein function. The variant allele was found at a frequency of 2.8e-05 in 251292 control chromosomes. The available data on variant occurrences in the general population are insufficient to allow any conclusion about variant significance. To our knowledge, no occurrence of c.7975C>G in individuals affected with Dilated Cardiomyopathy and no experimental evidence demonstrating its impact on protein function have been reported. No clinical diagnostic laboratories have submitted clinical-significance assessments for this variant to ClinVar after 2014. Based on the evidence outlined above, the variant was classified as uncertain significance.

Ambry Genetics
Classification: Likely benign for Cardiovascular phenotype. Last evaluated: 2020-06-30. Review status: criteria provided, single submitter. Criteria: Ambry Variant Classification Scheme 2023. Collection method: clinical testing. Allele origin: germline.

GeneDx
Classification: Likely benign. Last evaluated: 2019-03-12. Review status: criteria provided, single submitter. Criteria: GeneDx Variant Classification Process June 2021. Collection method: clinical testing. Allele origin: germline. Affected: yes.